The following is an entry in ClinVar:

ClinVar aggregate classification (germline): Likely benign (1 of 4 stars; one submission).

Submission:

CeGaT Center for Human Genetics Tuebingen
Classification: Likely benign. Last evaluated: 2023-08-01. Review status: criteria provided, single submitter. Criteria: CeGaT Center For Human Genetics Tuebingen Variant Classification Criteria Version 2. Collection method: clinical testing. Allele origin: germline. Affected: yes. Observed: 1 variant allele.
Comment: GXYLT1: PM2:Supporting, BP4, BP7

NM_173601.2(GXYLT1):c.168C>A (p.Ala56=)

Genes: GXYLT1 (glucoside xylosyltransferase 1; minus strand), LOC130007692 (ATAC-STARR-seq lymphoblastoid silent region 4357; plus strand). Cytogenetic location: 12q12.
Variant type: single nucleotide variant.
Coding change: c.168C>A on transcript NM_173601.2 (MANE Select); coding-DNA position 168, C replaced by A.
Protein change: p.Ala56=; no amino-acid change (alanine 56 retained).
Molecular consequence: synonymous variant.
Genome position (GRCh38, 1-based): chr12:42,144,479, G>T on the plus strand (C>A on the coding strand, the complement: GXYLT1 is on the minus strand). VCF-style: chr12-42144479-G-T. GRCh37 (hg19) VCF-style: chr12-42538281-G-T.
Other names: c.168C>A, p.Ala56= (NM_001099650.2).
Identifiers: ClinVar variation 2642891 (VCV002642891.24), dbSNP rs991337229, ClinGen allele CA235464856.